The following is an entry in ClinVar:

ClinVar aggregate classification (germline): Uncertain significance (1 of 4 stars; one submission).

Submission:

Ambry Genetics
Classification: Uncertain significance. Last evaluated: 2023-10-12. Review status: criteria provided, single submitter. Criteria: Ambry Variant Classification Scheme 2023. Collection method: clinical testing. Allele origin: germline.
Comment: The p.K660T variant (also known as c.1979A>C), located in coding exon 10 of the PALLD gene, results from an A to C substitution at nucleotide position 1979. The lysine at codon 660 is replaced by threonine, an amino acid with similar properties. This amino acid position is conserved. In addition, the in silico prediction for this alteration is inconclusive. Since supporting evidence is limited at this time, the clinical significance of this alteration remains unclear.

NM_001166108.2(PALLD):c.1979A>C (p.Lys660Thr)

Gene: PALLD (palladin, cytoskeletal associated protein; plus strand). Cytogenetic location: 4q32.3.
Variant type: single nucleotide variant.
Coding change: c.1979A>C on transcript NM_001166108.2 (MANE Select); coding-DNA position 1979, A replaced by C.
Protein change: p.Lys660Thr; replaces lysine 660 with threonine.
Molecular consequence: missense variant. On other transcripts: 5 prime UTR variant (4).
Genome position (GRCh38, 1-based): chr4:168,890,936, A>C. VCF-style: chr4-168890936-A-C. GRCh37 (hg19) VCF-style: chr4-169812087-A-C.
Other names: c.833A>C, p.Lys278Thr (NM_001166109.2); c.518A>C, p.Lys173Thr (NM_001166110.2); c.-143A>C (NM_001367567.1, NM_001367568.1, NM_001367569.1 and 1 more transcripts); c.1979A>C, p.Lys660Thr (NM_016081.4); short protein forms K173T, K278T, K660T.
Identifiers: ClinVar variation 3226761 (VCV003226761.1), dbSNP rs2533586588, ClinGen allele CA358797080.
Genomic context (GRCh38, chr4:168,890,936, plus strand): 5'-ATATGCCTGACAACTAACTATACTGCCTTGTGTTTTTATCCTGCAGAGGATTTCCAAAGA[A>C]GGCCAGTAGAACTGCTAGAATAGCCTCCGATGAGGAAATTCAAGGCACAAAGGATGCTGT-3'
Protein context (NP_001159580.1, residues 650-670): LAKPKLGFPK[Lys660Thr]ASRTARIASD